The following is an entry in ClinVar:

ClinVar aggregate classification (germline): Uncertain significance (1 of 4 stars; one submission).

Submission:

GeneDx
Classification: Uncertain significance. Last evaluated: 2020-01-30. Review status: criteria provided, single submitter. Criteria: GeneDx Variant Classification Process June 2021. Collection method: clinical testing. Allele origin: germline. Affected: yes.
Comment: Not observed in large population cohorts (Lek et al., 2016); The majority of missense variants in this gene are considered pathogenic (Stenson et al., 2014); In silico analysis, which includes protein predictors and evolutionary conservation, supports that this variant does not alter protein structure/function; Has not been previously published as pathogenic or benign to our knowledge

NM_001614.5(ACTG1):c.940C>G (p.Gln314Glu)

Gene: ACTG1 (actin gamma 1; minus strand). Cytogenetic location: 17q25.3.
Variant type: single nucleotide variant.
Coding change: c.940C>G on transcript NM_001614.5 (MANE Select); coding-DNA position 940, C replaced by G.
Protein change: p.Gln314Glu; replaces glutamine 314 with glutamic acid.
Molecular consequence: missense variant. On other transcripts: non-coding transcript variant (1).
Genome position (GRCh38, 1-based): chr17:81,510,971, G>C on the plus strand (C>G on the coding strand, the complement: ACTG1 is on the minus strand). VCF-style: chr17-81510971-G-C. GRCh37 (hg19) VCF-style: chr17-79477997-G-C.
Other names: c.940C>G, p.Gln314Glu (NM_001199954.3); short protein forms Q314E.
Identifiers: ClinVar variation 1313177 (VCV001313177.2), dbSNP rs1555666471, ClinGen allele CA401458932.